The following is an entry in ClinVar:

NM_001378454.1(ALMS1):c.4288T>G (p.Ser1430Ala)

Gene: ALMS1 (ALMS1 centrosome and basal body associated protein; plus strand). Cytogenetic location: 2p13.1.
Variant type: single nucleotide variant.
Coding change: c.4288T>G on transcript NM_001378454.1 (MANE Select); coding-DNA position 4288, T replaced by G.
Protein change: p.Ser1430Ala; replaces serine 1430 with alanine.
Molecular consequence: missense variant.
Genome position (GRCh38, 1-based): chr2:73,450,815, T>G. VCF-style: chr2-73450815-T-G. GRCh37 (hg19) VCF-style: chr2-73677942-T-G.
Other names: c.4291T>G, p.Ser1431Ala (NM_015120.4); short protein forms S1430A, S1431A.
Identifiers: ClinVar variation 1019624 (VCV001019624.7), dbSNP rs1671920005, ClinGen allele CA347278003.

ClinVar aggregate classification (germline): Uncertain significance. Review status: criteria provided, single submitter (1 of 4 stars). 2 submissions from 2 submitters: Uncertain significance (1). 1 of the submissions does not count toward it. Last evaluated 2022-02-04.

Conditions:
Alstrom syndrome (ALMS). Identifiers: Orphanet 64, MedGen C0268425, MONDO:0008763, OMIM 203800.

Submissions (2):

Labcorp Genetics (formerly Invitae), Labcorp
Classification: Uncertain significance for Alstrom syndrome. Last evaluated: 2022-02-04. Review status: criteria provided, single submitter. Criteria: Invitae Variant Classification Sherloc (09022015). Collection method: clinical testing. Allele origin: germline.
Comment: In summary, the available evidence is currently insufficient to determine the role of this variant in disease. Therefore, it has been classified as a Variant of Uncertain Significance. Experimental studies and prediction algorithms are not available or were not evaluated, and the functional significance of this variant is currently unknown. ClinVar contains an entry for this variant (Variation ID: 1019624). This variant has not been reported in the literature in individuals affected with ALMS1-related conditions. This variant is not present in population databases (gnomAD no frequency). This sequence change replaces serine, which is neutral and polar, with alanine, which is neutral and non-polar, at codon 1431 of the ALMS1 protein (p.Ser1431Ala).

Natera, Inc.
Classification: Uncertain significance for Alstrom syndrome. Last evaluated: 2025-02-16. Review status: no assertion criteria provided. Collection method: clinical testing. Allele origin: germline. Not counted in ClinVar's aggregate classification.